The following is an entry in ClinVar:

NC_000016.9:g.(?_89838076)_(89874785_?)del

Gene: FANCA (FA complementation group A; minus strand). Cytogenetic location: 16q24.3.
Variant type: Deletion.
Identifiers: ClinVar variation 2422415 (VCV002422415.4).

ClinVar aggregate classification (germline): Pathogenic (1 of 4 stars; one submission).

Conditions:
Fanconi anemia (FA). Also called: Fanconi's anemia. Identifiers: Orphanet 84, MedGen C0015625, MeSH D005199, MONDO:0019391.

Submission:

Labcorp Genetics (formerly Invitae), Labcorp
Classification: Pathogenic for Fanconi anemia. Last evaluated: 2022-08-22. Review status: criteria provided, single submitter. Criteria: Invitae Variant Classification Sherloc (09022015). Collection method: clinical testing. Allele origin: germline.
Comment: This variant disrupts a region of the FANCA protein in which other variant(s) (p.Arg435His) have been determined to be pathogenic (PMID: 19367192, 29098742; Invitae). This suggests that this is a clinically significant region of the protein, and that variants that disrupt it are likely to be disease-causing. For these reasons, this variant has been classified as Pathogenic. This variant has not been reported in the literature in individuals affected with FANCA-related conditions. This variant is a gross deletion of the genomic region encompassing exon(s) 6-23 of the FANCA gene. This variant would be expected to be in-frame, preserving the integrity of the reading frame.

Literature cited by the submitters: PubMed 19367192; PubMed 29098742.